The following is an entry in ClinVar:

ClinVar aggregate classification (germline): Likely pathogenic. Review status: criteria provided, single submitter (1 of 4 stars). 2 submissions from 2 submitters: Likely pathogenic (1). 1 of the submissions does not count toward it. Last evaluated 2025-08-06.

Conditions:
Pfeiffer syndrome (ACS5). Also called: ACS V. Identifiers: Orphanet 710, MedGen C0220658, MONDO:0007043, OMIM 101600.

Submissions (2):

GeneDx
Classification: Likely pathogenic. Last evaluated: 2025-08-06. Review status: criteria provided, single submitter. Criteria: GeneDx Variant Classification Process June 2021. Collection method: clinical testing. Allele origin: germline. Affected: yes.
Comment: Not observed at significant frequency in large population cohorts (gnomAD); In silico analysis supports a deleterious effect on protein structure/function; In-frame deletion of 1 amino acid with an unclear effect on protein function; This variant is associated with the following publications: (PMID: 11781872, 29230096, 10945669)

OMIM
Classification: Pathogenic for PFEIFFER SYNDROME. Last evaluated: 2000-07-01. Review status: no assertion criteria provided. Collection method: literature only. Allele origin: germline. Not counted in ClinVar's aggregate classification.

Literature cited by the submitters: PubMed 10945669 (cited by OMIM).

NM_000141.5(FGFR2):c.818_820del (p.Asp273del)

Gene: FGFR2 (fibroblast growth factor receptor 2; minus strand). Cytogenetic location: 10q26.13.
Variant type: Deletion.
Coding change: c.818_820del on transcript NM_000141.5 (MANE Select); coding-DNA positions 818 to 820, 3 bases deleted (ACG; older notation c.818_820delACG).
Protein change: p.Asp273del; deletes aspartic acid 273.
Molecular consequence: inframe deletion. On other transcripts: inframe indel (2), non-coding transcript variant (1), intron variant (1).
Genome position (GRCh38, 1-based): chr10:121,520,098-121,520,100, CGT deleted on the plus strand (ACG on the coding strand, the reverse complement: FGFR2 is on the minus strand); deleting any 3 consecutive bases within chr10:121,520,098-121,520,101 gives the same sequence; the c. name uses the placement nearest the transcript's 3' end. VCF-style (leftmost placement, unchanged base first): chr10-121520097-ACGT-A. GRCh37 (hg19) VCF-style: chr10-123279611-ACGT-A.
Other names: D273delD; c.817_819delGAC, p.Asp273del (NM_000141.4); c.818_820del, p.Asp273del (NM_001144913.1, NM_001144917.2, NM_001320658.2 and 1 more transcripts); c.551_553del, p.Asp184del (NM_001144915.2, NM_001144919.2); c.473_475del, p.Asp158del (NM_001144916.2, NM_001144918.2); c.134_136del, p.Asp45del (NM_001320654.2); c.550_552delGAC, p.Asp184del (NM_023029.3); c.749-4781_749-4779del (NM_001144914.1); and 1 more; short protein forms D273del, D158del, D45del, D184del.
Identifiers: ClinVar variation 13288 (VCV000013288.2), dbSNP rs121918503, ClinGen allele CA280189.
Genomic context (GRCh38, chr10:121,520,097, plus strand): 5'-ACGTGCTTGATCCACTGGATGTGGGGCTGGGCATCACTGTAAACCTTGCAGACAAACTCT[ACGT>A]CTCCTCCGACCACTGTGGAGGCATTTGCCGGCAGTCCGGCTTGGAGGATGGGCCGGTGAG-3'